The following is an entry in ClinVar:

NM_013336.4(SEC61A1):c.761T>C (p.Val254Ala)

Genes: RUVBL1 (RuvB like AAA ATPase 1; minus strand), SEC61A1 (SEC61 translocon subunit alpha 1; plus strand). Cytogenetic location: 3q21.3.
Variant type: single nucleotide variant.
Coding change: c.761T>C on transcript NM_013336.4 (MANE Select); coding-DNA position 761, T replaced by C.
Protein change: p.Val254Ala; replaces valine 254 with alanine.
Molecular consequence: missense variant. On other transcripts: 3 prime UTR variant (1).
Genome position (GRCh38, 1-based): chr3:128,065,021, T>C. VCF-style: chr3-128065021-T-C. GRCh37 (hg19) VCF-style: chr3-127783864-T-C.
Other names: c.779T>C, p.Val260Ala (NM_001400328.1); c.602T>C, p.Val201Ala (NM_001400329.1); c.*191A>G (NM_001319086.1); short protein forms V260A, V254A, V201A.
Identifiers: ClinVar variation 2704339 (VCV002704339.3), dbSNP rs2473033850, ClinGen allele CA354397941.

ClinVar aggregate classification (germline): Uncertain significance (1 of 4 stars; one submission).

Submission:

Labcorp Genetics (formerly Invitae), Labcorp
Classification: Uncertain significance. Last evaluated: 2023-12-19. Review status: criteria provided, single submitter. Criteria: Invitae Variant Classification Sherloc (09022015). Collection method: clinical testing. Allele origin: germline.
Comment: This sequence change replaces valine, which is neutral and non-polar, with alanine, which is neutral and non-polar, at codon 254 of the SEC61A1 protein (p.Val254Ala). This variant is not present in population databases (gnomAD no frequency). This variant has not been reported in the literature in individuals affected with SEC61A1-related conditions. Advanced modeling of protein sequence and biophysical properties (such as structural, functional, and spatial information, amino acid conservation, physicochemical variation, residue mobility, and thermodynamic stability) performed at Invitae indicates that this missense variant is not expected to disrupt SEC61A1 protein function with a negative predictive value of 80%. In summary, the available evidence is currently insufficient to determine the role of this variant in disease. Therefore, it has been classified as a Variant of Uncertain Significance.